The following is an entry in ClinVar:

ClinVar aggregate classification (germline): Uncertain significance. Review status: criteria provided, multiple submitters, no conflicts (2 of 4 stars). 2 submissions from 2 submitters: Uncertain significance (2). Last evaluated 2024-12-07.

Conditions:
Mosaic variegated aneuploidy syndrome 2 (MVA2). Identifiers: Orphanet 1052, MedGen C3279843, MONDO:0013582, OMIM 614114.
Inborn genetic diseases. Identifiers: MedGen C0950123, MeSH D030342.

Allele frequency attached by ClinVar (database versions not stated): TOPMed below 0.00001; gnomAD 0.00001.
gnomAD v4.1: 5 of 1,613,894 alleles (0.00031%); highest among the groups gnomAD compares: Non-Finnish European, 0.00042%; no homozygotes.

Submissions (2):

Ambry Genetics
Classification: Uncertain significance for Inborn genetic diseases. Last evaluated: 2024-12-07. Review status: criteria provided, single submitter. Criteria: Ambry Variant Classification Scheme 2023. Collection method: clinical testing. Allele origin: germline.
Comment: The p.P57R variant (also known as c.170C>G), located in coding exon 2 of the CEP57 gene, results from a C to G substitution at nucleotide position 170. The proline at codon 57 is replaced by arginine, an amino acid with dissimilar properties. This amino acid position is conserved. In addition, the in silico prediction for this alteration is inconclusive. Based on the available evidence, the clinical significance of this variant remains unclear.

Labcorp Genetics (formerly Invitae), Labcorp
Classification: Uncertain significance for Mosaic variegated aneuploidy syndrome 2. Last evaluated: 2019-03-25. Review status: criteria provided, single submitter. Criteria: Invitae Variant Classification Sherloc (09022015). Collection method: clinical testing. Allele origin: germline.
Comment: This sequence change replaces proline with arginine at codon 57 of the CEP57 protein (p.Pro57Arg). The proline residue is highly conserved and there is a moderate physicochemical difference between proline and arginine. This variant is not present in population databases (ExAC no frequency). This variant has not been reported in the literature in individuals with CEP57-related conditions. Algorithms developed to predict the effect of missense changes on protein structure and function are either unavailable or do not agree on the potential impact of this missense change (SIFT: "Deleterious"; PolyPhen-2: "Probably Damaging"; Align-GVGD: "Class C0"). In summary, the available evidence is currently insufficient to determine the role of this variant in disease. Therefore, it has been classified as a Variant of Uncertain Significance.

NM_014679.5(CEP57):c.170C>G (p.Pro57Arg)

Gene: CEP57 (centrosomal protein 57; plus strand). Cytogenetic location: 11q21.
Variant type: single nucleotide variant.
Coding change: c.170C>G on transcript NM_014679.5 (MANE Select); coding-DNA position 170, C replaced by G.
Protein change: p.Pro57Arg; replaces proline 57 with arginine.
Molecular consequence: missense variant.
Genome position (GRCh38, 1-based): chr11:95,799,356, C>G. VCF-style: chr11-95799356-C-G. GRCh37 (hg19) VCF-style: chr11-95532520-C-G.
Other names: c.143C>G, p.Pro48Arg (NM_001243776.2); c.170C>G, p.Pro57Arg (NM_001243777.2); c.89C>G, p.Pro30Arg (NM_001363604.2); short protein forms P57R, P30R, P48R.
Identifiers: ClinVar variation 843213 (VCV000843213.10), dbSNP rs1861478889, ClinGen allele CA382415928.
Genomic context (GRCh38, chr11:95,799,356, plus strand): 5'-TAGTATATCCTTCGGATAAGCCTTTCCTTAATAGTGATCTACGACGCTCCCCAAGTAAGC[C>G]TACACTTGCCTATCCAGAAAGCAACAGCAGAGGTAATCGAGCCTAACGAAATAAATGTTA-3'
Protein context (NP_055494.2, residues 47-67): NSDLRRSPSK[Pro57Arg]TLAYPESNSR